The following is an entry in ClinVar:

ClinVar aggregate classification (germline): Pathogenic, low penetrance. Review status: criteria provided, single submitter (1 of 4 stars). 2 submissions from 2 submitters: Pathogenic, low penetrance (1). 1 of the submissions does not count toward it. Last evaluated 2025-10-02.

Conditions:
Atypical hemolytic-uremic syndrome. Identifiers: Orphanet 2134, MedGen C2931788, MONDO:0016244.

Submissions (2):

Genomenon, Inc
Classification: Pathogenic, low penetrance for Atypical hemolytic-uremic syndrome. Last evaluated: 2025-10-02. Review status: criteria provided, single submitter. Criteria: Genomenon Sequence Variant Interpretation Standards - Updated. Collection method: curation. Allele origin: germline. Affected: yes.
Comment: CFH p.Arg1182Ser (c.3546G>C) is a missense variant that changes the amino acid at residue 1182 from Arginine to Serine. This variant has been observed in at least one proband affected with atypical hemolytic-uremic syndrome (PMID:28844315). At least one functional study has demonstrated a substantial alteration in protein function relative to the wild-type (PMID:19454698). It is absent or not present at a significant frequency in gnomAD. Another cDNA variant that causes the same protein consequence has been determined to be pathogenic. In conclusion, we classify CFH p.Arg1182Ser (c.3546G>C) as a pathogenic, low penetrance variant.

Sydney Genome Diagnostics, Children's Hospital Westmead
Classification: Likely pathogenic for Atypical hemolytic-uremic syndrome. Last evaluated: 2014-03-16. Review status: no assertion criteria provided. Collection method: clinical testing. Allele origin: unknown. Affected: yes. Observed: 1 variant allele, 1 heterozygote. Not counted in ClinVar's aggregate classification.
Comment: Heterozygous mutations in CFH, in particular those at the C-terminus, are associated with aHUS. The variant p.Arg1182Ser has been previously identified in another patient with aHUS ( Kim et al. 2011. Pediatr Nephrol 26:2073-2076) and is also listed on the FH aHUS website although no phenotypic information is given on the latter. The pathogenicity of the p.Arg1182Ser variant is further supported by in vitro assays. The p.Arg1182Ser mutant protein has been shown to have decreased binding affinity to its targets, hence reducing complement factor H-mediated protection of endothelial cells from complement-mediated lysis (Ferreira et al. 2009. J Immunol 182:7009-7018).

Literature cited by the submitters: PubMed 28844315 (cited by Genomenon, Inc); PubMed 19454698 (cited by Genomenon, Inc).

NM_000186.4(CFH):c.3546G>C (p.Arg1182Ser)

Gene: CFH (complement factor H; plus strand). Cytogenetic location: 1q31.3.
Variant type: single nucleotide variant.
Coding change: c.3546G>C on transcript NM_000186.4 (MANE Select); coding-DNA position 3546, G replaced by C.
Protein change: p.Arg1182Ser; replaces arginine 1182 with serine.
Molecular consequence: missense variant.
Genome position (GRCh38, 1-based): chr1:196,747,163, G>C. VCF-style: chr1-196747163-G-C. GRCh37 (hg19) VCF-style: chr1-196716293-G-C.
Other names: short protein forms R1182S.
Identifiers: ClinVar variation 988141 (VCV000988141.2), dbSNP rs1653042358, ClinGen allele CA343987394.
Genomic context (GRCh38, chr1:196,747,163, plus strand): 5'-ATTTTCAGATCCGTGTGTAATATCCCGAGAAATTATGGAAAATTATAACATAGCATTAAG[G>C]TGGACAGCCAAACAGAAGCTTTATTCGAGAACAGGTGAATCAGTTGAATTTGTGTGTAAA-3'
Protein context (NP_000177.2, residues 1172-1192): EIMENYNIAL[Arg1182Ser]WTAKQKLYSR